The following is an entry in ClinVar:

NM_005189.3(CBX2):c.295G>A (p.Asp99Asn)

Gene: CBX2 (chromobox 2; plus strand). Cytogenetic location: 17q25.3.
Variant type: single nucleotide variant.
Coding change: c.295G>A on transcript NM_005189.3 (MANE Select); coding-DNA position 295, G replaced by A.
Protein change: p.Asp99Asn; replaces aspartic acid 99 with asparagine.
Molecular consequence: missense variant.
Genome position (GRCh38, 1-based): chr17:79,783,738, G>A. VCF-style: chr17-79783738-G-A. GRCh37 (hg19) VCF-style: chr17-77757537-G-A.
Other names: short protein forms D99N.
Identifiers: ClinVar variation 3712507 (VCV003712507.2).

ClinVar aggregate classification (germline): Uncertain significance (1 of 4 stars; one submission).

gnomAD v4.1: 41 of 1,551,972 alleles (0.0026%); highest among the groups gnomAD compares: Admixed American, 0.0039%; no homozygotes.

Submission:

Labcorp Genetics (formerly Invitae), Labcorp
Classification: Uncertain significance. Last evaluated: 2024-09-14. Review status: criteria provided, single submitter. Criteria: Invitae Variant Classification Sherloc (09022015). Collection method: clinical testing. Allele origin: germline.
Comment: This sequence change replaces aspartic acid, which is acidic and polar, with asparagine, which is neutral and polar, at codon 99 of the CBX2 protein (p.Asp99Asn). This variant is present in population databases (rs781856331, gnomAD 0.004%). This variant has not been reported in the literature in individuals affected with CBX2-related conditions. Invitae Evidence Modeling of protein sequence and biophysical properties (such as structural, functional, and spatial information, amino acid conservation, physicochemical variation, residue mobility, and thermodynamic stability) indicates that this missense variant is not expected to disrupt CBX2 protein function with a negative predictive value of 80%. In summary, the available evidence is currently insufficient to determine the role of this variant in disease. Therefore, it has been classified as a Variant of Uncertain Significance.